The following is an entry in ClinVar:

ClinVar aggregate classification (germline): Uncertain significance. Review status: criteria provided, multiple submitters, no conflicts (2 of 4 stars). 2 submissions from 2 submitters: Uncertain significance (2). Last evaluated 2024-11-28.

gnomAD v4.1: 100 of 1,614,054 alleles (0.0062%); highest among the groups gnomAD compares: Middle Eastern, 0.017%; no homozygotes.

Submissions (2):

Blueprint Genetics
Classification: Uncertain significance. Last evaluated: 2024-11-28. Review status: criteria provided, single submitter. Criteria: ACMG Guidelines, 2015. Collection method: clinical testing. Allele origin: germline.

GeneDx
Classification: Uncertain significance. Last evaluated: 2024-08-28. Review status: criteria provided, single submitter. Criteria: GeneDx Variant Classification Process June 2021. Collection method: clinical testing. Allele origin: germline. Affected: yes.
Comment: In silico analysis indicates that this missense variant does not alter protein structure/function; Has not been previously published as pathogenic or benign to our knowledge

NM_001039141.3(TRIOBP):c.6862G>A (p.Val2288Ile)

Gene: TRIOBP (TRIO and F-actin binding protein; plus strand). Cytogenetic location: 22q13.1.
Variant type: single nucleotide variant.
Coding change: c.6862G>A on transcript NM_001039141.3 (MANE Select); coding-DNA position 6862, G replaced by A.
Protein change: p.Val2288Ile; replaces valine 2288 with isoleucine.
Molecular consequence: missense variant.
Genome position (GRCh38, 1-based): chr22:37,771,662, G>A. VCF-style: chr22-37771662-G-A. GRCh37 (hg19) VCF-style: chr22-38167669-G-A.
Other names: c.1723G>A, p.Val575Ile (NM_007032.5); short protein forms V2288I, V575I.
Identifiers: ClinVar variation 3766069 (VCV003766069.2).